The following is an entry in ClinVar:

NM_000266.4(NDP):c.269_273dup (p.Ser92fs)

Genes: NDP (norrin cystine knot growth factor NDP; minus strand), NDP-AS1 (NDP antisense RNA 1; plus strand). Cytogenetic location: Xp11.3.
Variant type: Duplication.
Coding change: c.269_273dup on transcript NM_000266.4 (MANE Select); coding-DNA positions 269 to 273, 5 bases duplicated (GTTCC; older notation c.269_273dupGTTCC).
Protein change: p.Ser92fs; shifts the reading frame from serine 92.
Molecular consequence: frameshift variant. On other transcripts: non-coding transcript variant (1).
Genome position (GRCh38, 1-based): chrX:43,949,928-43,949,932, GGAAC duplicated on the plus strand (GTTCC on the coding strand, the reverse complement: NDP is on the minus strand); duplicating any 5 consecutive bases within chrX:43,949,928-43,949,936 gives the same sequence; the c. name uses the placement nearest the transcript's 3' end. VCF-style (leftmost placement, unchanged base first): chrX-43949927-A-AGGAAC. GRCh37 (hg19) VCF-style: chrX-43809173-A-AGGAAC.
Other names: short protein forms S92fs.
Identifiers: ClinVar variation 2030965 (VCV002030965.4), dbSNP rs2519315025, ClinGen allele CA2580100957.

ClinVar aggregate classification (germline): Pathogenic (1 of 4 stars; one submission).

Submission:

Labcorp Genetics (formerly Invitae), Labcorp
Classification: Pathogenic. Last evaluated: 2023-07-14. Review status: criteria provided, single submitter. Criteria: Invitae Variant Classification Sherloc (09022015). Collection method: clinical testing. Allele origin: germline.
Comment: For these reasons, this variant has been classified as Pathogenic. This variant disrupts a region of the NDP protein in which other variant(s) (p.Cys131*) have been determined to be pathogenic (PMID: 25711638; Invitae). This suggests that this is a clinically significant region of the protein, and that variants that disrupt it are likely to be disease-causing. ClinVar contains an entry for this variant (Variation ID: 2030965). This variant has not been reported in the literature in individuals affected with NDP-related conditions. This variant is not present in population databases (gnomAD no frequency). This sequence change creates a premature translational stop signal (p.Ser92Valfs*14) in the NDP gene. While this is not anticipated to result in nonsense mediated decay, it is expected to disrupt the last 42 amino acid(s) of the NDP protein.

Literature cited by the submitters: PubMed 25711638.